The following is an entry in ClinVar:

NM_005559.4(LAMA1):c.1753G>A (p.Gly585Arg)

Gene: LAMA1 (laminin subunit alpha 1; minus strand). Cytogenetic location: 18p11.31.
Variant type: single nucleotide variant.
Coding change: c.1753G>A on transcript NM_005559.4 (MANE Select); coding-DNA position 1753, G replaced by A.
Protein change: p.Gly585Arg; replaces glycine 585 with arginine.
Molecular consequence: missense variant.
Genome position (GRCh38, 1-based): chr18:7,036,073, C>T on the plus strand (G>A on the coding strand, the complement: LAMA1 is on the minus strand). VCF-style: chr18-7036073-C-T. GRCh37 (hg19) VCF-style: chr18-7036072-C-T.
Other names: c.1753G>A (NM_005559.3); short protein forms G585R.
Identifiers: ClinVar variation 2143461 (VCV002143461.4), dbSNP rs552082654, ClinGen allele CA8882879.

ClinVar aggregate classification (germline): Uncertain significance. Review status: criteria provided, multiple submitters, no conflicts (2 of 4 stars). 2 submissions from 2 submitters: Uncertain significance (2). Last evaluated 2025-01-22.

Allele frequency attached by ClinVar (database versions not stated): TOPMed 0.00005; gnomAD 0.00010; ExAC 0.00013; gnomAD exomes 0.00018; 1000 Genomes Project 30x 0.00031; 1000 Genomes Project 0.00040.
gnomAD v4.1: 266 of 1,613,828 alleles (0.016%); highest among the groups gnomAD compares: South Asian, 0.092%; 2 homozygotes.

Submissions (2):

GeneDx
Classification: Uncertain significance. Last evaluated: 2025-01-22. Review status: criteria provided, single submitter. Criteria: GeneDx Variant Classification Process June 2021. Collection method: clinical testing. Allele origin: germline. Affected: yes.
Comment: In silico analysis supports that this missense variant has a deleterious effect on protein structure/function; In silico analysis suggests this variant may impact gene splicing. In the absence of RNA/functional studies, the actual effect of this sequence change is unknown.; Has not been previously published as pathogenic or benign to our knowledge

Labcorp Genetics (formerly Invitae), Labcorp
Classification: Uncertain significance. Last evaluated: 2022-04-12. Review status: criteria provided, single submitter. Criteria: Invitae Variant Classification Sherloc (09022015). Collection method: clinical testing. Allele origin: germline.
Comment: In summary, the available evidence is currently insufficient to determine the role of this variant in disease. Therefore, it has been classified as a Variant of Uncertain Significance. Algorithms developed to predict the effect of sequence changes on RNA splicing suggest that this variant may create or strengthen a splice site. Algorithms developed to predict the effect of missense changes on protein structure and function output the following: SIFT: "Deleterious"; PolyPhen-2: "Probably Damaging"; Align-GVGD: "Class C25". The arginine amino acid residue is found in multiple mammalian species, which suggests that this missense change does not adversely affect protein function. This variant has not been reported in the literature in individuals affected with LAMA1-related conditions. This variant is present in population databases (rs552082654, gnomAD 0.07%). This sequence change replaces glycine, which is neutral and non-polar, with arginine, which is basic and polar, at codon 585 of the LAMA1 protein (p.Gly585Arg).